The following is an entry in ClinVar:

NM_031857.2(PCDHA9):c.1236T>C (p.Ala412=)

Genes: PCDHA1 (protocadherin alpha 1; plus strand), PCDHA2 (protocadherin alpha 2; plus strand), PCDHA3 (protocadherin alpha 3; plus strand), PCDHA4 (protocadherin alpha 4; plus strand), PCDHA5 (protocadherin alpha 5; plus strand) and 5 more. Cytogenetic location: 5q31.3.
Variant type: single nucleotide variant.
Coding change: c.1236T>C on transcript NM_031857.2 (MANE Select); coding-DNA position 1236, T replaced by C.
Protein change: p.Ala412=; no amino-acid change (alanine 412 retained).
Molecular consequence: synonymous variant. On other transcripts: intron variant (10).
Genome position (GRCh38, 1-based): chr5:140,849,731, T>C. VCF-style: chr5-140849731-T-C. GRCh37 (hg19) VCF-style: chr5-140229316-T-C.
Other names: c.1236T>C, p.Ala412= (NM_014005.5); c.2394+61047T>C (NM_018900.4); c.1602+61839T>C (NM_031411.3); c.2388+52379T>C (NM_018905.3); c.2394+46140T>C (NM_018906.3); c.2385+40159T>C (NM_018907.4); c.2352+25604T>C (NM_018908.3); c.2394+19246T>C (NM_018909.4); and 3 more.
Identifiers: ClinVar variation 3056454 (VCV003056454.2), dbSNP rs7722927, ClinGen allele CA3450384.

ClinVar aggregate classification (germline): Benign (0 of 4 stars; one submission).

Conditions:
PCDHA9-related disorder. Also called: PCDHA9-related condition.

Allele frequency attached by ClinVar (database versions not stated): gnomAD 0.05902; 1000 Genomes Project 30x 0.07089; gnomAD exomes 0.00817.
gnomAD v4.1: 21,072 of 1,598,236 alleles (1.3%); highest among the groups gnomAD compares: African/African-American, 20%; 2,656 homozygotes.

Submission:

PreventionGenetics, part of Exact Sciences
Classification: Benign for PCDHA9-related condition. Last evaluated: 2020-09-30. Review status: no assertion criteria provided. Collection method: clinical testing. Allele origin: germline.
Comment: This variant is classified as benign based on ACMG/AMP sequence variant interpretation guidelines (Richards et al. 2015 PMID: 25741868, with internal and published modifications).